The following is an entry in ClinVar:

NM_012254.3(SLC27A5):c.1114C>T (p.Arg372Trp)

Gene: SLC27A5 (solute carrier family 27 member 5; minus strand). Cytogenetic location: 19q13.43.
Variant type: single nucleotide variant.
Coding change: c.1114C>T on transcript NM_012254.3 (MANE Select); coding-DNA position 1114, C replaced by T.
Protein change: p.Arg372Trp; replaces arginine 372 with tryptophan.
Molecular consequence: missense variant.
Genome position (GRCh38, 1-based): chr19:58,501,354, G>A on the plus strand (C>T on the coding strand, the complement: SLC27A5 is on the minus strand). VCF-style: chr19-58501354-G-A. GRCh37 (hg19) VCF-style: chr19-59012721-G-A.
Other names: c.1114C>T (NM_012254.2); c.862C>T, p.Arg288Trp (NM_001321196.2); short protein forms R372W, R288W.
Identifiers: ClinVar variation 498430 (VCV000498430.6), dbSNP rs546045040, ClinGen allele CA9718102.

ClinVar aggregate classification (germline): Uncertain significance. Review status: criteria provided, multiple submitters, no conflicts (2 of 4 stars). 2 submissions from 2 submitters: Uncertain significance (2). Last evaluated 2026-06-26.

Conditions:
SLC27A5-related disorder. Also called: SLC27A5-related condition.

Allele frequency attached by ClinVar (database versions not stated): gnomAD 0.00001 and 0.00008; TOPMed 0.00002; ExAC 0.00017; gnomAD exomes 0.00019; 1000 Genomes Project 0.00040; 1000 Genomes Project 30x 0.00047.

Submissions (2):

PreventionGenetics, part of Exact Sciences
Classification: Uncertain significance for SLC27A5-related condition. Last evaluated: 2026-06-26. Review status: criteria provided, single submitter. Criteria: ACMG Guidelines, 2015. Collection method: clinical testing. Allele origin: germline.
Comment: The SLC27A5 c.1114C>T variant is predicted to result in the amino acid substitution p.Arg372Trp. To our knowledge, this variant has not been reported in the literature. This variant is reported in 0.14% of alleles in individuals of South Asian descent in gnomAD. At this time, the clinical significance of this variant is uncertain due to the absence of conclusive functional and genetic evidence.

Eurofins Ntd Llc (ga)
Classification: Uncertain significance. Last evaluated: 2016-11-07. Review status: criteria provided, single submitter. Criteria: EGL Classification Definitions 2015. Collection method: clinical testing. Allele origin: germline. Observed: 1 variant allele, 1 heterozygote.